The following is an entry in ClinVar:

NM_004187.5(KDM5C):c.3319G>C (p.Asp1107His)

Gene: KDM5C (lysine demethylase 5C; minus strand). Cytogenetic location: Xp11.22.
Variant type: single nucleotide variant.
Coding change: c.3319G>C on transcript NM_004187.5 (MANE Select); coding-DNA position 3319, G replaced by C.
Protein change: p.Asp1107His; replaces aspartic acid 1107 with histidine.
Molecular consequence: missense variant. On other transcripts: non-coding transcript variant (3).
Genome position (GRCh38, 1-based): chrX:53,195,050, C>G on the plus strand (G>C on the coding strand, the complement: KDM5C is on the minus strand). VCF-style: chrX-53195050-C-G. GRCh37 (hg19) VCF-style: chrX-53224232-C-G.
Other names: c.3118G>C, p.Asp1040His (NM_001146702.2); c.3316G>C, p.Asp1106His (NM_001282622.3, NM_001353979.2, NM_001353982.2); c.3319G>C, p.Asp1107His (NM_001353978.3, NM_001353981.2, NM_001353984.2); short protein forms D1040H, D1106H, D1107H.
Identifiers: ClinVar variation 5008769 (VCV005008769.1).
Genomic context (GRCh38, chrX:53,195,050, plus strand): 5'-TGTACAACCCCAGCTCCTTCTCCATCCACCGGCTGCGCTTGGTGCTGTCTGAGCCGGCAT[C>G]TGCACATGGGCAGAGAACCTGGGGCAGGCAGACAAGAGAGGGAATGACTGGGCTTCCCTT-3'
Protein context (NP_004178.2, residues 1097-1117): TLLEVLCPCA[Asp1107His]AGSDSTKRSR

ClinVar aggregate classification (germline): Uncertain significance (1 of 4 stars; one submission).

Submission:

GeneDx
Classification: Uncertain significance. Last evaluated: 2026-03-07. Review status: criteria provided, single submitter. Criteria: GeneDx Variant Classification Process June 2021. Collection method: clinical testing. Allele origin: germline.
Comment: Not observed at significant frequency in large population cohorts (gnomAD); In silico analysis supports that this missense variant has a deleterious effect on protein structure/function; Has not been previously published as pathogenic or benign to our knowledge